The following is an entry in ClinVar:

ClinVar aggregate classification (germline): Uncertain significance (1 of 4 stars; one submission).

Conditions:
Cardiovascular phenotype. Identifiers: MedGen CN230736.

Allele frequency attached by ClinVar (database versions not stated): gnomAD exomes below 0.00001; TOPMed below 0.00001.
gnomAD v4.1: 3 of 1,612,622 alleles (0.00019%); highest among the groups gnomAD compares: Non-Finnish European, 0.00025%; no homozygotes.

Submission:

Ambry Genetics
Classification: Uncertain significance for Cardiovascular phenotype. Last evaluated: 2022-04-19. Review status: criteria provided, single submitter. Criteria: Ambry Variant Classification Scheme 2023. Collection method: clinical testing. Allele origin: germline.
Comment: The p.H368R variant (also known as c.1103A>G), located in coding exon 2 of the JPH2 gene, results from an A to G substitution at nucleotide position 1103. The histidine at codon 368 is replaced by arginine, an amino acid with highly similar properties. This amino acid position is conserved. In addition, this alteration is predicted to be tolerated by in silico analysis. Since supporting evidence is limited at this time, the clinical significance of this alteration remains unclear.

NM_020433.5(JPH2):c.1103A>G (p.His368Arg)

Gene: JPH2 (junctophilin 2; minus strand). Cytogenetic location: 20q13.12.
Variant type: single nucleotide variant.
Coding change: c.1103A>G on transcript NM_020433.5 (MANE Select); coding-DNA position 1103, A replaced by G.
Protein change: p.His368Arg; replaces histidine 368 with arginine.
Molecular consequence: missense variant.
Genome position (GRCh38, 1-based): chr20:44,159,684, T>C on the plus strand (A>G on the coding strand, the complement: JPH2 is on the minus strand). VCF-style: chr20-44159684-T-C. GRCh37 (hg19) VCF-style: chr20-42788324-T-C.
Other names: short protein forms H368R.
Identifiers: ClinVar variation 1792950 (VCV001792950.3), dbSNP rs2072480861, ClinGen allele CA409092909.